The following is an entry in ClinVar:

NM_020169.4(LXN):c.570+1G>C

Genes: GFM1 (G elongation factor mitochondrial 1; plus strand), LXN (latexin; minus strand). Cytogenetic location: 3q25.32.
Variant type: single nucleotide variant.
Coding change: c.570+1G>C on transcript NM_020169.4 (MANE Select); the canonical splice donor site of the intron after coding-DNA position 570, G replaced by C.
Molecular consequence: splice donor variant. On other transcripts: intron variant (10).
Genome position (GRCh38, 1-based): chr3:158,667,011, C>G on the plus strand (G>C on the coding strand, the complement: LXN is on the minus strand). VCF-style: chr3-158667011-C-G. GRCh37 (hg19) VCF-style: chr3-158384800-C-G.
Other names: c.1658+625C>G (NM_001308164.2); c.1601+625C>G (NM_024996.7, NM_001308166.2); c.1376+625C>G (NM_001374357.1); c.1520+625C>G (NM_001374355.1); c.1484+625C>G (NM_001374356.1); c.1034+625C>G (NM_001374359.1, NM_001374360.1); c.917+625C>G (NM_001374361.1); c.1142+625C>G (NM_001374358.1).
Identifiers: ClinVar variation 931251 (VCV000931251.3), dbSNP rs745485339, ClinGen allele CA355178896.

ClinVar aggregate classification (germline): Uncertain significance (1 of 4 stars; one submission).

Submission:

Centre for Mendelian Genomics, University Medical Centre Ljubljana
Classification: Uncertain significance. Last evaluated: 2020-01-29. Review status: criteria provided, single submitter. Criteria: ACMG Guidelines, 2015. Collection method: clinical testing. Allele origin: unknown. Affected: yes.
Comment: This variant was classified as: Uncertain significance. The available evidence on this variant's pathogenicity is insufficient or conflicting. The following ACMG criteria were applied in classifying this variant: PP3.